The following is an entry in ClinVar:

NM_025216.3(WNT10A):c.1087A>C (p.Asn363His)

Gene: WNT10A (Wnt family member 10A; plus strand). Cytogenetic location: 2q35.
Variant type: single nucleotide variant.
Coding change: c.1087A>C on transcript NM_025216.3 (MANE Select); coding-DNA position 1087, A replaced by C.
Protein change: p.Asn363His; replaces asparagine 363 with histidine.
Molecular consequence: missense variant.
Genome position (GRCh38, 1-based): chr2:218,893,104, A>C. VCF-style: chr2-218893104-A-C. GRCh37 (hg19) VCF-style: chr2-219757826-A-C.
Other names: short protein forms N363H.
Identifiers: ClinVar variation 334414 (VCV000334414.25), dbSNP rs34972707, ClinGen allele CA2114108.

ClinVar aggregate classification (germline): Conflicting classifications of pathogenicity. Review status: criteria provided, conflicting classifications (1 of 4 stars). 10 submissions from 8 submitters: Likely pathogenic (1); Uncertain significance (7); Benign (1). 1 of the submissions does not count toward it. Last evaluated 2026-01-22.

Conditions:
Odonto-onycho-dermal dysplasia. Identifiers: Orphanet 2721, MedGen C0796093, MONDO:0009773, OMIM 257980.
Schöpf-Schulz-Passarge syndrome. Also called: SchC6pf-Schulz-Passarge syndrome; ECCRINE TUMORS WITH ECTODERMAL DYSPLASIA; KERATOSIS PALMOPLANTARIS WITH CYSTIC EYELIDS, HYPODONTIA, AND HYPOTRICHOSIS. Identifiers: Orphanet 50944, MedGen C1857069, MONDO:0009145, OMIM 224750.
Tooth agenesis, selective, 4 (STHAG4). Also called: SUCCEDANEOUS TEETH, AGENESIS OF; TOOTH AGENESIS, SELECTIVE, 4, WITH OR WITHOUT ECTODERMAL DYSPLASIA; LATERAL INCISORS, ABSENCE OF; LATERAL INCISORS, PEGGED OR MISSING. Identifiers: Orphanet 99798, MedGen C1835492, MONDO:0007881, OMIM 150400. Disease mechanism: loss of function.
Tooth agenesis. Also called: Reduced number of teeth; Decreased number of teeth; Decreased tooth count; Failure of development of some teeth; Fewer teeth than normal; Missing some teeth. Identifiers: MedGen C4024202, HP:0009804, MONDO:0005486.

Allele frequency attached by ClinVar (database versions not stated): gnomAD 0.00064 and 0.00062; gnomAD exomes 0.00087 and 0.00050; ESP Exome Variant Server 0.00028; 1000 Genomes Project 30x 0.00016; TOPMed 0.00065; ExAC 0.00072.

Submissions (10):

Labcorp Genetics (formerly Invitae), Labcorp
Classification: Benign for Tooth agenesis, selective, 4; Odonto-onycho-dermal dysplasia. Last evaluated: 2026-01-22. Review status: criteria provided, single submitter. Criteria: Invitae Variant Classification Sherloc (09022015). Collection method: clinical testing. Allele origin: germline.

GeneDx
Classification: Likely pathogenic. Last evaluated: 2025-09-08. Review status: criteria provided, single submitter. Criteria: GeneDx Variant Classification Process June 2021. Collection method: clinical testing. Allele origin: germline. Affected: yes.
Comment: In silico analysis supports that this missense variant has a deleterious effect on protein structure/function; This variant is associated with the following publications: (PMID: 19559398, 24700731, 25629078, 36199823, 28976000)

Blueprint Genetics
Classification: Uncertain significance. Last evaluated: 2024-11-26. Review status: criteria provided, single submitter. Criteria: ACMG Guidelines, 2015. Collection method: clinical testing. Allele origin: germline.

Department of Pathology and Laboratory Medicine, Sinai Health System
Classification: Uncertain significance for Schöpf-Schulz-Passarge syndrome; Tooth agenesis, selective, 4; Odonto-onycho-dermal dysplasia. Last evaluated: 2023-03-01. Review status: criteria provided, single submitter. Criteria: ACMG Guidelines, 2015. Collection method: research. Allele origin: germline.

Mendelics
Classification: Uncertain significance. Last evaluated: 2022-05-04. Review status: criteria provided, single submitter. Criteria: Mendelics Assertion Criteria 2019. Collection method: clinical testing. Allele origin: germline.

Illumina Laboratory Services, Illumina
Classification: Uncertain significance for Schöpf-Schulz-Passarge syndrome. Last evaluated: 2018-01-13. Review status: criteria provided, single submitter. Criteria: ICSL Variant Classification Criteria 13 December 2019. Collection method: clinical testing. Allele origin: germline.

Illumina Laboratory Services, Illumina
Classification: Uncertain significance for Odonto-onycho-dermal dysplasia. Last evaluated: 2018-01-13. Review status: criteria provided, single submitter. Criteria: ICSL Variant Classification Criteria 13 December 2019. Collection method: clinical testing. Allele origin: germline.

Illumina Laboratory Services, Illumina
Classification: Uncertain significance for Tooth agenesis, selective, 4. Last evaluated: 2018-01-13. Review status: criteria provided, single submitter. Criteria: ICSL Variant Classification Criteria 13 December 2019. Collection method: clinical testing. Allele origin: germline.

Kariminejad - Najmabadi Pathology & Genetics Center
Classification: Uncertain significance for Odonto-onycho-dermal dysplasia. Review status: criteria provided, single submitter. Criteria: ACMG Guidelines, 2015. Collection method: clinical testing. Allele origin: germline. Affected: no.

Yale Center for Mendelian Genomics, Yale University
Classification: Pathogenic for Tooth agenesis. Last evaluated: 2014-09-15. Review status: no assertion criteria provided. Collection method: literature only. Allele origin: germline. Affected: yes. Observed: 1 compound heterozygote. Not counted in ClinVar's aggregate classification.

Literature cited by the submitters: PubMed 25629078 (cited by Yale Center for Mendelian Genomics, Yale University).